The following is an entry in ClinVar:

ClinVar aggregate classification (germline): Uncertain significance (1 of 4 stars; one submission).

Conditions:
MELAS syndrome (MELAS). Also called: Juvenile myopathy, encephalopathy, lactic acidosis, stroke. Identifiers: Orphanet 550, MedGen C0162671, MONDO:0010789, OMIM 540000.

Submission:

Wong Mito Lab, Molecular and Human Genetics, Baylor College of Medicine
Classification: Uncertain significance for MELAS syndrome. Last evaluated: 2019-07-12. Review status: criteria provided, single submitter. Criteria: Modified ACMG Guidelines (Unpublished). Collection method: clinical testing. Allele origin: germline.
Comment: The NC_012920.1:m.5793A>G variant in MT-TC gene is interpreted to be a Unknown Significance variant based on the modified ACMG guidelines (unpublished). This variant meets the following evidence codes reported in the guidelines: PP3, PP4

Literature cited by the submitters: PubMed 31965079.

NC_012920.1(MT-TC):m.5793A>G

Gene: MT-TC (mitochondrially encoded tRNA cysteine; minus strand).
Variant type: single nucleotide variant.
Genome position: chrM-5793-A-G.
Identifiers: ClinVar variation 689993 (VCV000689993.1), dbSNP rs1603220122, ClinGen allele CA913180475.
Genomic context (GRCh38, chrMT:5,793, plus strand): 5'-CTCCCGCCGCCGGGAAAAAAGGCGGGAGAAGCCCCGGCAGGTTTGAAGCTGCTTCTTCGA[A>G]TTTGCAATTCAATATGAAAATCACCTCGGAGCTGGTAAAAAGAGGCCTAACCCCTGTCTT-3'